The following is an entry in ClinVar:

ClinVar aggregate classification (germline): Uncertain significance. Review status: criteria provided, multiple submitters, no conflicts (2 of 4 stars). 2 submissions from 2 submitters: Uncertain significance (2). Last evaluated 2025-09-03.

Conditions:
Inborn genetic diseases. Identifiers: MedGen C0950123, MeSH D030342.

Allele frequency attached by ClinVar (database versions not stated): gnomAD 0.00001.
gnomAD v4.1: 20 of 1,551,406 alleles (0.0013%); highest among the groups gnomAD compares: East Asian, 0.013%; no homozygotes.

Submissions (2):

Labcorp Genetics (formerly Invitae), Labcorp
Classification: Uncertain significance. Last evaluated: 2025-09-03. Review status: criteria provided, single submitter. Criteria: Invitae Variant Classification Sherloc (09022015). Collection method: clinical testing. Allele origin: germline.
Comment: This sequence change replaces proline, which is neutral and non-polar, with leucine, which is neutral and non-polar, at codon 1470 of the CDK13 protein (p.Pro1470Leu). This variant is present in population databases (rs776784082, gnomAD 0.006%). This variant has not been reported in the literature in individuals affected with CDK13-related conditions. ClinVar contains an entry for this variant (Variation ID: 2210975). Invitae Evidence Modeling of protein sequence and biophysical properties (such as structural, functional, and spatial information, amino acid conservation, physicochemical variation, residue mobility, and thermodynamic stability) indicates that this missense variant is not expected to disrupt CDK13 protein function with a negative predictive value of 95%. In summary, the available evidence is currently insufficient to determine the role of this variant in disease. Therefore, it has been classified as a Variant of Uncertain Significance.

Ambry Genetics
Classification: Uncertain significance for Inborn genetic diseases. Last evaluated: 2022-07-08. Review status: criteria provided, single submitter. Criteria: Ambry Variant Classification Scheme 2023. Collection method: clinical testing. Allele origin: germline.

NM_003718.5(CDK13):c.4409C>T (p.Pro1470Leu)

Gene: CDK13 (cyclin dependent kinase 13; plus strand). Cytogenetic location: 7p14.1.
Variant type: single nucleotide variant.
Coding change: c.4409C>T on transcript NM_003718.5 (MANE Select); coding-DNA position 4409, C replaced by T.
Protein change: p.Pro1470Leu; replaces proline 1470 with leucine.
Molecular consequence: missense variant.
Genome position (GRCh38, 1-based): chr7:40,094,850, C>T. VCF-style: chr7-40094850-C-T. GRCh37 (hg19) VCF-style: chr7-40134449-C-T.
Other names: c.4229C>T, p.Pro1410Leu (NM_031267.4); short protein forms P1470L, P1410L.
Identifiers: ClinVar variation 2210975 (VCV002210975.3), dbSNP rs776784082, ClinGen allele CA4229119.
Genomic context (GRCh38, chr7:40,094,850, plus strand): 5'-CTCATCCTTTGCCAGCAAAGATGCACAACTATAACTATGGTGGTAACTTACAGGAAAATC[C>T]GAGTGGCCCCAGCCTCATGCATGGACAGACCTGGACTTCTCCTGCCCAAGGACCTGGATA-3'
Protein context (NP_003709.3, residues 1460-1480): YNYGGNLQEN[Pro1470Leu]SGPSLMHGQT